The following is an entry in ClinVar:

NM_005263.5(GFI1):c.370T>G (p.Trp124Gly)

Gene: GFI1 (growth factor independent 1 transcriptional repressor; minus strand). Cytogenetic location: 1p22.1.
Variant type: single nucleotide variant.
Coding change: c.370T>G on transcript NM_005263.5 (MANE Select); coding-DNA position 370, T replaced by G.
Protein change: p.Trp124Gly; replaces tryptophan 124 with glycine.
Molecular consequence: missense variant.
Genome position (GRCh38, 1-based): chr1:92,481,017, A>C on the plus strand (T>G on the coding strand, the complement: GFI1 is on the minus strand). VCF-style: chr1-92481017-A-C. GRCh37 (hg19) VCF-style: chr1-92946574-A-C.
Other names: c.370T>G, p.Trp124Gly (NM_001127215.3, NM_001127216.3); short protein forms W124G.
Identifiers: ClinVar variation 3853750 (VCV003853750.3).
Genomic context (GRCh38, chr1:92,481,017, plus strand): 5'-CCCCACACGGTCGGTAGCTCTGCACCAGGTGCCGCAGGTCAGAACCCGCCAGGCCGCTCC[A>C]TGAGTACGGTTTGAAAGGCAGGGGGAAGGGCTGGGCTTCGTCCAGCGATGGGCACATTGA-3'
Protein context (NP_005254.2, residues 114-134): PFPLPFKPYS[Trp124Gly]SGLAGSDLRH

ClinVar aggregate classification (germline): Uncertain significance. Review status: criteria provided, multiple submitters, no conflicts (2 of 4 stars). 2 submissions from 2 submitters: Uncertain significance (2). Last evaluated 2025-12-06.

Conditions:
Neutropenia, severe congenital, 2, autosomal dominant. Identifiers: Orphanet 486, MedGen C2751288, MONDO:0013139, OMIM 613107.

Submissions (2):

Labcorp Genetics (formerly Invitae), Labcorp
Classification: Uncertain significance for Neutropenia, severe congenital, 2, autosomal dominant. Last evaluated: 2025-12-06. Review status: criteria provided, single submitter. Criteria: Invitae Variant Classification Sherloc (09022015). Collection method: clinical testing. Allele origin: germline.
Comment: This sequence change replaces tryptophan, which is neutral and slightly polar, with glycine, which is neutral and non-polar, at codon 124 of the GFI1 protein (p.Trp124Gly). This variant is present in population databases (rs747860638, gnomAD 0.001%). This variant has not been reported in the literature in individuals affected with GFI1-related conditions. ClinVar contains an entry for this variant (Variation ID: 3853750). Invitae Evidence Modeling of protein sequence and biophysical properties (such as structural, functional, and spatial information, amino acid conservation, physicochemical variation, residue mobility, and thermodynamic stability) indicates that this missense variant is not expected to disrupt GFI1 protein function with a negative predictive value of 80%. In summary, the available evidence is currently insufficient to determine the role of this variant in disease. Therefore, it has been classified as a Variant of Uncertain Significance.

Ambry Genetics
Classification: Uncertain significance. Last evaluated: 2025-03-22. Review status: criteria provided, single submitter. Criteria: Ambry Variant Classification Scheme 2023. Collection method: clinical testing. Allele origin: germline.
Comment: The p.W124G variant (also known as c.370T>G), located in coding exon 3 of the GFI1 gene, results from a T to G substitution at nucleotide position 370. The tryptophan at codon 124 is replaced by glycine, an amino acid with highly dissimilar properties. This amino acid position is conserved. In addition, the in silico prediction for this alteration is inconclusive. Based on the available evidence, the clinical significance of this variant remains unclear.